The following is an entry in ClinVar:

NM_006231.4(POLE):c.4848G>T (p.Lys1616Asn)

Gene: POLE (DNA polymerase epsilon, catalytic subunit; minus strand). Cytogenetic location: 12q24.33.
Variant type: single nucleotide variant.
Coding change: c.4848G>T on transcript NM_006231.4 (MANE Select); coding-DNA position 4848, G replaced by T.
Protein change: p.Lys1616Asn; replaces lysine 1616 with asparagine.
Molecular consequence: missense variant.
Genome position (GRCh38, 1-based): chr12:132,642,610, C>A on the plus strand (G>T on the coding strand, the complement: POLE is on the minus strand). VCF-style: chr12-132642610-C-A. GRCh37 (hg19) VCF-style: chr12-133219196-C-A.
Other names: short protein forms K1616N.
Identifiers: ClinVar variation 4141100 (VCV004141100.1).

ClinVar aggregate classification (germline): Uncertain significance (1 of 4 stars; one submission).

Conditions:
Hereditary cancer-predisposing syndrome. Also called: Hereditary neoplastic syndrome; Neoplastic Syndromes, Hereditary; Tumor predisposition; Hereditary Cancer Syndrome. Identifiers: Orphanet 140162, MedGen C0027672, MeSH D009386, MONDO:0015356.

Submission:

Ambry Genetics
Classification: Uncertain significance for Hereditary cancer-predisposing syndrome. Last evaluated: 2025-07-07. Review status: criteria provided, single submitter. Criteria: Ambry Variant Classification Scheme 2023. Collection method: clinical testing. Allele origin: germline.
Comment: The p.K1616N variant (also known as c.4848G>T), located in coding exon 37 of the POLE gene, results from a G to T substitution at nucleotide position 4848. The lysine at codon 1616 is replaced by asparagine, an amino acid with similar properties. This amino acid position is conserved. In addition, this alteration is predicted to be tolerated by in silico analysis. Based on the available evidence, the clinical significance of this variant remains unclear.